The following is an entry in ClinVar:

NM_001297.5(CNGB1):c.3319A>G (p.Lys1107Glu)

Gene: CNGB1 (cyclic nucleotide gated channel subunit beta 1; minus strand). Cytogenetic location: 16q21.
Variant type: single nucleotide variant.
Coding change: c.3319A>G on transcript NM_001297.5 (MANE Select); coding-DNA position 3319, A replaced by G.
Protein change: p.Lys1107Glu; replaces lysine 1107 with glutamic acid.
Molecular consequence: missense variant.
Genome position (GRCh38, 1-based): chr16:57,887,998, T>C on the plus strand (A>G on the coding strand, the complement: CNGB1 is on the minus strand). VCF-style: chr16-57887998-T-C. GRCh37 (hg19) VCF-style: chr16-57921902-T-C.
Other names: c.3301A>G, p.Lys1101Glu (NM_001286130.2); short protein forms K1101E, K1107E.
Identifiers: ClinVar variation 1712235 (VCV001712235.8), dbSNP rs200181155, ClinGen allele CA8082595.

ClinVar aggregate classification (germline): Uncertain significance. Review status: criteria provided, multiple submitters, no conflicts (2 of 4 stars). 5 submissions from 5 submitters: Uncertain significance (4). 1 of the submissions does not count toward it. Last evaluated 2026-06-29.

Conditions:
Retinal dystrophy. Also called: Inherited retinal dystrophy. Identifiers: Orphanet 71862, MedGen C0854723, MeSH D058499, MONDO:0019118, HP:0000556.
CNGB1-related disorder. Also called: CNGB1-related condition.

Allele frequency attached by ClinVar (database versions not stated): ExAC 0.00004; gnomAD exomes 0.00004; gnomAD 0.00005; TOPMed 0.00006; ESP Exome Variant Server 0.00016.
gnomAD v4.1: 64 of 1,614,084 alleles (0.004%); highest among the groups gnomAD compares: Non-Finnish European, 0.0053%; no homozygotes.

Submissions (5):

PreventionGenetics, part of Exact Sciences
Classification: Uncertain significance for CNGB1-related condition. Last evaluated: 2026-06-29. Review status: criteria provided, single submitter. Criteria: ACMG Guidelines, 2015. Collection method: clinical testing. Allele origin: germline.
Comment: The CNGB1 c.3319A>G variant is predicted to result in the amino acid substitution p.Lys1107Glu. To our knowledge, this variant has not been reported in the literature. This variant is reported in 0.0070% of alleles in individuals of European (Non-Finnish) descent in gnomAD. At this time, the clinical significance of this variant is uncertain due to the absence of conclusive functional and genetic evidence.

Blueprint Genetics
Classification: Uncertain significance. Last evaluated: 2024-11-20. Review status: criteria provided, single submitter. Criteria: ACMG Guidelines, 2015. Collection method: clinical testing. Allele origin: germline.

Labcorp Genetics (formerly Invitae), Labcorp
Classification: Uncertain significance. Last evaluated: 2023-11-27. Review status: criteria provided, single submitter. Criteria: Invitae Variant Classification Sherloc (09022015). Collection method: clinical testing. Allele origin: germline.
Comment: This sequence change replaces lysine, which is basic and polar, with glutamic acid, which is acidic and polar, at codon 1107 of the CNGB1 protein (p.Lys1107Glu). This variant is present in population databases (rs200181155, gnomAD 0.006%). This variant has not been reported in the literature in individuals affected with CNGB1-related conditions. ClinVar contains an entry for this variant (Variation ID: 1712235). Advanced modeling of protein sequence and biophysical properties (such as structural, functional, and spatial information, amino acid conservation, physicochemical variation, residue mobility, and thermodynamic stability) performed at Invitae indicates that this missense variant is not expected to disrupt CNGB1 protein function with a negative predictive value of 80%. In summary, the available evidence is currently insufficient to determine the role of this variant in disease. Therefore, it has been classified as a Variant of Uncertain Significance.

GeneDx
Classification: Uncertain significance. Last evaluated: 2022-04-19. Review status: criteria provided, single submitter. Criteria: GeneDx Variant Classification Process June 2021. Collection method: clinical testing. Allele origin: germline. Affected: yes.
Comment: In silico analysis supports that this missense variant has a deleterious effect on protein structure/function; Has not been previously published as pathogenic or benign to our knowledge

Institute of Human Genetics, Univ. Regensburg, Univ. Regensburg
Classification: Uncertain significance for Retinal dystrophy. Last evaluated: 2019-01-01. Review status: no assertion criteria provided. Criteria: ACMG Guidelines, 2015. Collection method: clinical testing. Allele origin: germline. Affected: yes. Not counted in ClinVar's aggregate classification.